The following is an entry in ClinVar:

NM_000135.4(FANCA):c.3357C>G (p.Phe1119Leu)

Gene: FANCA (FA complementation group A; minus strand). Cytogenetic location: 16q24.3.
Variant type: single nucleotide variant.
Coding change: c.3357C>G on transcript NM_000135.4 (MANE Select); coding-DNA position 3357, C replaced by G.
Protein change: p.Phe1119Leu; replaces phenylalanine 1119 with leucine.
Molecular consequence: missense variant.
Genome position (GRCh38, 1-based): chr16:89,746,882, G>C on the plus strand (C>G on the coding strand, the complement: FANCA is on the minus strand). VCF-style: chr16-89746882-G-C. GRCh37 (hg19) VCF-style: chr16-89813290-G-C.
Other names: c.3357C>G, p.Phe1119Leu (NM_001286167.3); short protein forms F1119L.
Identifiers: ClinVar variation 3032661 (VCV003032661.4), dbSNP rs878853664, ClinGen allele CA397486147.

ClinVar aggregate classification (germline): Uncertain significance. Review status: criteria provided, multiple submitters, no conflicts (2 of 4 stars). 3 submissions from 3 submitters: Uncertain significance (2). 1 of the submissions does not count toward it. Last evaluated 2026-06-24.

Conditions:
Fanconi anemia complementation group A (FANCA). Also called: FANCA-Related Fanconi Anemia; Fanconi anemia, group A. Identifiers: Orphanet 84, MedGen C3469521, MONDO:0009215, OMIM 227650.
Inborn genetic diseases. Identifiers: MedGen C0950123, MeSH D030342.
FANCA-related disorder. Also called: FANCA-related condition.

Submissions (3):

Ambry Genetics
Classification: Uncertain significance for Inborn genetic diseases. Last evaluated: 2026-06-24. Review status: criteria provided, single submitter. Criteria: Ambry Variant Classification Scheme 2023. Collection method: clinical testing. Allele origin: germline.
Comment: The p.F1119L variant (also known as c.3357C>G), located in coding exon 34 of the FANCA gene, results from a C to G substitution at nucleotide position 3357. The phenylalanine at codon 1119 is replaced by leucine, an amino acid with highly similar properties. This amino acid position is conserved. In addition, this alteration is predicted to be tolerated by in silico analysis. Based on the available evidence, the clinical significance of this variant remains unclear.

Fulgent Genetics
Classification: Uncertain significance for Fanconi anemia complementation group A. Last evaluated: 2024-03-25. Review status: criteria provided, single submitter. Criteria: ACMG Guidelines, 2015. Collection method: clinical testing. Allele origin: germline.

PreventionGenetics, part of Exact Sciences
Classification: Uncertain significance for FANCA-related condition. Last evaluated: 2024-01-04. Review status: no assertion criteria provided. Collection method: clinical testing. Allele origin: germline. Not counted in ClinVar's aggregate classification.
Comment: The FANCA c.3357C>G variant is predicted to result in the amino acid substitution p.Phe1119Leu. To our knowledge, this variant has not been reported in the literature or in a large population database, indicating this variant is rare. At this time, the clinical significance of this variant is uncertain due to the absence of conclusive functional and genetic evidence.